The following is an entry in ClinVar:

ClinVar aggregate classification (germline): Uncertain significance (1 of 4 stars; one submission).

Allele frequency attached by ClinVar (database versions not stated): TOPMed below 0.00001; gnomAD 0.00001.
gnomAD v4.1: 2 of 1,614,122 alleles (0.00012%); highest among the groups gnomAD compares: Admixed American, 0.0017%; no homozygotes.

Submission:

Labcorp Genetics (formerly Invitae), Labcorp
Classification: Uncertain significance. Last evaluated: 2024-12-12. Review status: criteria provided, single submitter. Criteria: Invitae Variant Classification Sherloc (09022015). Collection method: clinical testing. Allele origin: germline.
Comment: This sequence change replaces glutamic acid, which is acidic and polar, with lysine, which is basic and polar, at codon 276 of the SLC7A14 protein (p.Glu276Lys). This variant is not present in population databases (gnomAD no frequency). This variant has not been reported in the literature in individuals affected with SLC7A14-related conditions. ClinVar contains an entry for this variant (Variation ID: 2879303). An algorithm developed to predict the effect of missense changes on protein structure and function (PolyPhen-2) suggests that this variant is likely to be disruptive. In summary, the available evidence is currently insufficient to determine the role of this variant in disease. Therefore, it has been classified as a Variant of Uncertain Significance.

NM_020949.3(SLC7A14):c.826G>A (p.Glu276Lys)

Genes: SLC7A14 (solute carrier family 7 member 14; minus strand), SLC7A14-AS1 (SLC7A14 antisense RNA 1; plus strand). Cytogenetic location: 3q26.2.
Variant type: single nucleotide variant.
Coding change: c.826G>A on transcript NM_020949.3 (MANE Select); coding-DNA position 826, G replaced by A.
Protein change: p.Glu276Lys; replaces glutamic acid 276 with lysine.
Molecular consequence: missense variant.
Genome position (GRCh38, 1-based): chr3:170,486,302, C>T on the plus strand (G>A on the coding strand, the complement: SLC7A14 is on the minus strand). VCF-style: chr3-170486302-C-T. GRCh37 (hg19) VCF-style: chr3-170204091-C-T.
Other names: short protein forms E276K.
Identifiers: ClinVar variation 2879303 (VCV002879303.3), dbSNP rs1488078781, ClinGen allele CA355494111.